The following continues an entry in ClinVar:

NM_001360.3(DHCR7):c.1228G>A (p.Gly410Ser)

Gene: DHCR7. ClinVar aggregate classification (germline): Pathogenic. Pathogenic (15).

Submissions 11 to 18 of 18:

GeneDx
Classification: Pathogenic. Last evaluated: 2020-10-30. Review status: criteria provided, single submitter. Criteria: GeneDx Variant Classification Process June 2021. Collection method: clinical testing. Allele origin: germline. Affected: yes.
Comment: Expression studies in a human cell line found that G410S reduced DHCR7 protein expression by greater than 90% compared to wild-type (Fitzky et al., 1998); In silico analysis supports that this missense variant has a deleterious effect on protein structure/function; This variant is associated with the following publications: (PMID: 31589614, 31840946, 31395954, 17237122, 22391996, 20301322, 27415407, 28166604, 19390132, 15952211, 22211794, 22226660, 25405082, 15013448, 9653161, 22975760, 23042628)

Revvity Omics, Revvity
Classification: Pathogenic for Smith-Lemli-Opitz syndrome. Last evaluated: 2020-10-08. Review status: criteria provided, single submitter. Criteria: ACMG Guidelines, 2015. Collection method: clinical testing. Allele origin: germline.

Myriad Genetics, Inc.
Classification: Pathogenic for Smith-Lemli-Opitz syndrome. Last evaluated: 2019-12-12. Review status: criteria provided, single submitter. Criteria: Myriad Women's Health Autosomal Recessive and X-Linked Classification Criteria (2019). Collection method: clinical testing. Allele origin: unknown.
Comment: NM_001360.2(DHCR7):c.1228G>A(G410S) is classified as pathogenic in the context of Smith-Lemli-Opitz syndrome. Sources cited for classification include the following: PMID 9653161, 15877207, 10896306, 10814720, 15952211, 12818773, 15896653 and 22391996. Classification of NM_001360.2(DHCR7):c.1228G>A(G410S) is based on the following criteria: This is a well-established pathogenic variant in the literature that has been observed more frequently in patients with clinical diagnoses than in healthy populations. Please note: this variant was assessed in the context of healthy population screening.

Women's Health and Genetics/Laboratory Corporation of America, LabCorp
Classification: Pathogenic for Smith-Lemli-Opitz syndrome. Last evaluated: 2017-05-04. Review status: criteria provided, single submitter. Criteria: LabCorp Variant Classification Summary - May 2015. Collection method: clinical testing. Allele origin: germline.
Comment: Variant summary: The DHCR7 c.1228G>A (p.Gly410Ser) variant involves the alteration of a conserved nucleotide, resulting in a missense substitution. 4/4 in silico tools predict a damaging outcome for this variant (SNPsandGO not captured due to low reliability index). This variant was found in the large control database ExAC at a frequency of 0.000043 (5/116304 control chromosomes), which does not exceed the estimated maximal expected allele frequency of a pathogenic DHCR7 variant (0.0043301). In the literature, the variant has been identified in several patients with SLOS in compound heterozygous state with other pathogenic/likely pathogenic mutations as well as in homozygous state (e.g., Kolejakova_Gen Physiol Biophys_2009; Kalb_Clin Genet_2012). Cell-based functional studies have been performed that revealed a severe reduction in protein expression and enzyme activity due to the variant (Fitzky_PNAS_1998; Shim_BBRC_2004). The variant also lies at one of the transmembrane regions of the protein, where many known pathogenic mutations are located (Fitzky_PNAS_1998). In addition, multiple clinical diagnostic laboratories/reputable databases have classified this variant as pathogenic. Taken together, this variant is classified as pathogenic.

Eurofins Ntd Llc (ga)
Classification: Pathogenic. Last evaluated: 2013-09-06. Review status: criteria provided, single submitter. Criteria: EGL Classification Definitions. Collection method: clinical testing. Allele origin: germline. Observed: 2 variant alleles, 2 heterozygotes.

Diagnostic Laboratory, Department of Genetics, University Medical Center Groningen
Classification: Pathogenic. Review status: no assertion criteria provided. Collection method: clinical testing. Allele origin: germline. Affected: yes. Study: VKGL Data-share Consensus. Not counted in ClinVar's aggregate classification.

GeneReviews
No classification provided. Condition: Smith-Lemli-Opitz syndrome. Review status: no classification provided. Collection method: literature only. Allele origin: unknown. Not counted in ClinVar's aggregate classification.

Joint Genome Diagnostic Labs from Nijmegen and Maastricht, Radboudumc and MUMC+
Classification: Likely pathogenic. Review status: no assertion criteria provided. Collection method: clinical testing. Allele origin: germline. Affected: yes. Study: VKGL Data-share Consensus. Not counted in ClinVar's aggregate classification.

Literature cited by the submitters: PubMed 9653161 (cited by 6 submitters); PubMed 17965227 (cited by Dasa); PubMed 19390132 (cited by 5 submitters); PubMed 31840946 (cited by 3 submitters); PubMed 15952211 (cited by 4 submitters); PubMed 12818773 (cited by Labcorp Genetics (formerly Invitae), Labcorp and Myriad Genetics, Inc.); PubMed 15896653 (cited by 4 submitters); PubMed 10677299 (cited by Labcorp Genetics (formerly Invitae), Labcorp and Women's Health and Genetics/Laboratory Corporation of America, LabCorp); PubMed 17237122 (cited by 3 submitters); PubMed 10896306 (cited by 3 submitters); PubMed 15013448 (cited by 3 submitters); PubMed 15877207 (cited by 3 submitters); PubMed 16207203 (cited by Mayo Clinic Laboratories, Mayo Clinic and GeneReviews); PubMed 22211794 (cited by 3 submitters); PubMed 22391996 (cited by Mayo Clinic Laboratories, Mayo Clinic and Myriad Genetics, Inc.); PubMed 23042628 (cited by Victorian Clinical Genetics Services, Murdoch Childrens Research Institute and Women's Health and Genetics/Laboratory Corporation of America, LabCorp); PubMed 35305950 (cited by Victorian Clinical Genetics Services, Murdoch Childrens Research Institute); PubMed 10814720 (cited by Ambry Genetics and Myriad Genetics, Inc.); PubMed 27401223 (cited by Ambry Genetics); PubMed 31395954 (cited by Ambry Genetics); PubMed 20301322 (cited by GeneReviews); NCBI Bookshelf NBK1143 (cited by GeneReviews).